The following is an entry in ClinVar:

ClinVar aggregate classification (germline): Likely pathogenic (1 of 4 stars; one submission).

Allele frequency attached by ClinVar (database versions not stated): gnomAD 0.00001; gnomAD exomes below 0.00001.

Submission:

GeneDx
Classification: Likely pathogenic. Last evaluated: 2017-12-27. Review status: criteria provided, single submitter. Criteria: GeneDx Variant Classification (06012015). Collection method: clinical testing. Allele origin: germline. Affected: yes.
Comment: The W415X variant in the PGAP1 gene has not been reported previously as a pathogenic variant nor as a benign variant, to our knowledge. This variant is predicted to cause loss of normal protein function either through protein truncation or nonsense-mediated mRNA decay. The W415X variant is not observed at a significant frequency in large population cohorts (Lek et al., 2016). We interpret W415X as a likely pathogenic variant.

NM_024989.4(PGAP1):c.1245G>A (p.Trp415Ter)

Gene: PGAP1 (post-GPI attachment to proteins inositol deacylase 1; minus strand). Cytogenetic location: 2q33.1.
Variant type: single nucleotide variant.
Coding change: c.1245G>A on transcript NM_024989.4 (MANE Select); coding-DNA position 1245, G replaced by A.
Protein change: p.Trp415Ter; replaces tryptophan 415 with a stop codon.
Molecular consequence: nonsense.
Genome position (GRCh38, 1-based): chr2:196,885,451, C>T on the plus strand (G>A on the coding strand, the complement: PGAP1 is on the minus strand). VCF-style: chr2-196885451-C-T. GRCh37 (hg19) VCF-style: chr2-197750175-C-T.
Other names: c.723G>A, p.Trp241Ter (NM_001321099.2); c.78G>A, p.Trp26Ter (NM_001321100.2); short protein forms W415*, W26*, W241*.
Identifiers: ClinVar variation 489281 (VCV000489281.2), dbSNP rs1441509615, ClinGen allele CA350173402.